The following is an entry in ClinVar:

NM_001378609.3(OTOGL):c.3213+1G>A

Gene: OTOGL (otogelin like; plus strand). Cytogenetic location: 12q21.31.
Variant type: single nucleotide variant.
Coding change: c.3213+1G>A on transcript NM_001378609.3 (MANE Select); the canonical splice donor site of the intron after coding-DNA position 3213, G replaced by A.
Molecular consequence: splice donor variant.
Genome position (GRCh38, 1-based): chr12:80,302,784, G>A. VCF-style: chr12-80302784-G-A. GRCh37 (hg19) VCF-style: chr12-80696564-G-A.
Other names: c.3078+1G>A (NM_001368062.3); c.3213+1G>A (NM_001378610.3, NM_173591.7).
Identifiers: ClinVar variation 291138 (VCV000291138.22), dbSNP rs370730786, ClinGen allele CA6700982.
Genomic context (GRCh38, chr12:80,302,784, plus strand): 5'-ATCACTATTCTTTGGGATAGGAAGACAACTATTCATATCAAAGTTGGGCCACAGTGGAAG[G>A]TAGGTCAACCTAAGCTCCAAATGAGATGTAATGAATAAAATCACATTTAGTTTTTGATGT-3'

ClinVar aggregate classification (germline): Likely pathogenic. Review status: criteria provided, multiple submitters, no conflicts (2 of 4 stars). 7 submissions from 7 submitters: Likely pathogenic (7). Last evaluated 2026-08-05.

Conditions:
Inborn genetic diseases. Identifiers: MedGen C0950123, MeSH D030342.
OTOGL-related disorder. Also called: OTOGL-related condition.
Autosomal recessive nonsyndromic hearing loss 84B. Also called: Deafness, autosomal recessive 84b. Identifiers: Orphanet 90636, MedGen C3554159, MONDO:0013984, OMIM 614944.

Allele frequency attached by ClinVar (database versions not stated): TOPMed 0.00003; gnomAD exomes 0.00004; ExAC 0.00006; ESP Exome Variant Server 0.00017.
gnomAD v4.1: 58 of 1,483,364 alleles (0.0039%); highest among the groups gnomAD compares: Non-Finnish European, 0.0048%; no homozygotes.

Submissions (7):

GeneDx
Classification: Likely pathogenic. Last evaluated: 2026-08-05. Review status: criteria provided, single submitter. Criteria: GeneDx Variant Classification Process June 2021. Collection method: clinical testing. Allele origin: germline.
Comment: Identified with additional variants in patients with sensorineural hearing loss referred for genetic testing at GeneDx; Canonical splice site variant predicted to result in an in-frame loss of the adjacent exon in a gene for which loss of function is a known mechanism of disease; Not observed at significant frequency in large population cohorts (gnomAD); Has not been previously published as pathogenic or benign to our knowledge

PreventionGenetics, part of Exact Sciences
Classification: Likely pathogenic for OTOGL-related condition. Last evaluated: 2023-10-10. Review status: criteria provided, single submitter. Criteria: ACMG Guidelines, 2015. Collection method: clinical testing. Allele origin: germline.
Comment: The OTOGL c.3186+1G>A variant is predicted to disrupt the GT donor site and interfere with normal splicing. To our knowledge, this variant has not been reported in the literature. This variant is reported in 0.0070% of alleles in individuals of European (Non-Finnish) descent in gnomAD. Variants that disrupt the consensus splice donor site in OTOGL are expected to be pathogenic. This variant is interpreted as likely pathogenic.

Labcorp Genetics (formerly Invitae), Labcorp
Classification: Likely pathogenic. Last evaluated: 2023-04-06. Review status: criteria provided, single submitter. Criteria: Invitae Variant Classification Sherloc (09022015). Collection method: clinical testing. Allele origin: germline.
Comment: This variant has not been reported in the literature in individuals affected with OTOGL-related conditions. This variant is present in population databases (rs370730786, gnomAD 0.007%). This sequence change affects a donor splice site in intron 27 of the OTOGL gene. It is expected to disrupt RNA splicing. Variants that disrupt the donor or acceptor splice site typically lead to a loss of protein function (PMID: 16199547), and loss-of-function variants in OTOGL are known to be pathogenic (PMID: 23122586). ClinVar contains an entry for this variant (Variation ID: 291138). In summary, the currently available evidence indicates that the variant is pathogenic, but additional data are needed to prove that conclusively. Therefore, this variant has been classified as Likely Pathogenic. Algorithms developed to predict the effect of sequence changes on RNA splicing suggest that this variant may disrupt the consensus splice site.

Fulgent Genetics
Classification: Likely pathogenic for Autosomal recessive nonsyndromic hearing loss 84B. Last evaluated: 2021-08-11. Review status: criteria provided, single submitter. Criteria: ACMG Guidelines, 2015. Collection method: clinical testing. Allele origin: unknown.

Revvity Omics, Revvity
Classification: Likely pathogenic for Autosomal recessive nonsyndromic hearing loss 84B. Last evaluated: 2019-07-05. Review status: criteria provided, single submitter. Criteria: ACMG Guidelines, 2015. Collection method: clinical testing. Allele origin: germline.

Eurofins Ntd Llc (ga)
Classification: Likely pathogenic. Last evaluated: 2016-09-06. Review status: criteria provided, single submitter. Criteria: EGL Classification Definitions 2015. Collection method: clinical testing. Allele origin: germline. Observed: 1 variant allele, 1 heterozygote.

Ambry Genetics
Classification: Likely pathogenic for Inborn genetic diseases. Last evaluated: 2016-02-22. Review status: criteria provided, single submitter. Criteria: Ambry exome assertion method (8-5-2015). Collection method: clinical testing. Allele origin: germline. Affected: yes. Observed: 1 variant allele.

Literature cited by the submitters: PubMed 16199547 (cited by Labcorp Genetics (formerly Invitae), Labcorp); PubMed 23122586 (cited by Labcorp Genetics (formerly Invitae), Labcorp).